The following is an entry in ClinVar:

ClinVar aggregate classification (germline): Uncertain significance (1 of 4 stars; one submission).

Conditions:
Immunodeficiency 39 (IMD39). Identifiers: Orphanet 574918, MedGen C4225358, MONDO:0014597, OMIM 616345.

Submission:

Labcorp Genetics (formerly Invitae), Labcorp
Classification: Uncertain significance for Immunodeficiency 39. Last evaluated: 2025-07-20. Review status: criteria provided, single submitter. Criteria: Invitae Variant Classification Sherloc (09022015). Collection method: clinical testing. Allele origin: germline.
Comment: This sequence change replaces glycine, which is neutral and non-polar, with glutamic acid, which is acidic and polar, at codon 260 of the IRF7 protein (p.Gly260Glu). This variant is present in population databases (rs752426726, gnomAD 0.004%). This variant has not been reported in the literature in individuals affected with IRF7-related conditions. ClinVar contains an entry for this variant (Variation ID: 3706743). An algorithm developed to predict the effect of missense changes on protein structure and function (PolyPhen-2) suggests that this variant is likely to be tolerated. In summary, the available evidence is currently insufficient to determine the role of this variant in disease. Therefore, it has been classified as a Variant of Uncertain Significance.

NM_001572.5(IRF7):c.740G>A (p.Gly247Glu)

Gene: IRF7 (interferon regulatory factor 7; minus strand). Cytogenetic location: 11p15.5.
Variant type: single nucleotide variant.
Coding change: c.740G>A on transcript NM_001572.5 (MANE Select); coding-DNA position 740, G replaced by A.
Protein change: p.Gly247Glu; replaces glycine 247 with glutamic acid.
Molecular consequence: missense variant. On other transcripts: intron variant (1).
Genome position (GRCh38, 1-based): chr11:613,977, C>T on the plus strand (G>A on the coding strand, the complement: IRF7 is on the minus strand). VCF-style: chr11-613977-C-T. GRCh37 (hg19) VCF-style: chr11-613977-C-T.
Other names: c.779G>A, p.Gly260Glu (NM_004031.4); c.680-112G>A (NM_004029.4); short protein forms G260E, G247E.
Identifiers: ClinVar variation 3706743 (VCV003706743.2).